The following is an entry in ClinVar:

ClinVar aggregate classification (germline): Uncertain significance (1 of 4 stars; one submission).

Submission:

Labcorp Genetics (formerly Invitae), Labcorp
Classification: Uncertain significance. Last evaluated: 2024-02-02. Review status: criteria provided, single submitter. Criteria: Invitae Variant Classification Sherloc (09022015). Collection method: clinical testing. Allele origin: germline.
Comment: This sequence change replaces valine, which is neutral and non-polar, with alanine, which is neutral and non-polar, at codon 106 of the SLC51B protein (p.Val106Ala). This variant is not present in population databases (gnomAD no frequency). This variant has not been reported in the literature in individuals affected with SLC51B-related conditions. Algorithms developed to predict the effect of missense changes on protein structure and function output the following: SIFT: "Not Available"; PolyPhen-2: "Benign"; Align-GVGD: "Not Available". The alanine amino acid residue is found in multiple mammalian species, which suggests that this missense change does not adversely affect protein function. In summary, the available evidence is currently insufficient to determine the role of this variant in disease. Therefore, it has been classified as a Variant of Uncertain Significance.

NM_178859.4(SLC51B):c.317T>C (p.Val106Ala)

Genes: RASL12 (RAS like family 12; minus strand), SLC51B (SLC51 subunit beta; plus strand). Cytogenetic location: 15q22.31.
Variant type: single nucleotide variant.
Coding change: c.317T>C on transcript NM_178859.4 (MANE Select); coding-DNA position 317, T replaced by C.
Protein change: p.Val106Ala; replaces valine 106 with alanine.
Molecular consequence: missense variant.
Genome position (GRCh38, 1-based): chr15:65,053,094, T>C. VCF-style: chr15-65053094-T-C. GRCh37 (hg19) VCF-style: chr15-65345432-T-C.
Other names: short protein forms V106A.
Identifiers: ClinVar variation 3638549 (VCV003638549.2).
Genomic context (GRCh38, chr15:65,053,094, plus strand): 5'-ACAACAGCCTAAACAACCTAAGAGAAACTTTGCTCTCAGAAAAGCCAAACTTGGCCCAGG[T>C]GGAACTTGAGTTAAAAGAGAGAGATGTGCTGTCAGTTTTCCTTCCGGATGTACCAGAAAC-3'
Protein context (NP_849190.2, residues 96-116): LLSEKPNLAQ[Val106Ala]ELELKERDVL